The following is an entry in ClinVar:

ClinVar aggregate classification (germline): Uncertain significance. Review status: criteria provided, multiple submitters, no conflicts (2 of 4 stars). 3 submissions from 3 submitters: Uncertain significance (3). Last evaluated 2026-01-08.

Conditions:
Hereditary cancer-predisposing syndrome. Also called: Neoplastic Syndromes, Hereditary; Hereditary Cancer Syndrome; Tumor predisposition; Hereditary neoplastic syndrome. Identifiers: Orphanet 140162, MedGen C0027672, MeSH D009386, MONDO:0015356.
Neurofibromatosis, type 1 (NF1). Also called: VON RECKLINGHAUSEN DISEASE; Peripheral type neurofibromatosis; NEUROFIBROMATOSIS, TYPE I, SOMATIC; Neurofibromatosis, type I. Identifiers: Orphanet 636, MedGen C0027831, MONDO:0018975, OMIM 162200. Disease mechanism: loss of function.

Allele frequency attached by ClinVar (database versions not stated): gnomAD exomes below 0.00001.
gnomAD v4.1: 1 of 1,613,460 alleles (0.000062%); highest among the groups gnomAD compares: Non-Finnish European, 0.000085%; no homozygotes.

Submissions (3):

Labcorp Genetics (formerly Invitae), Labcorp
Classification: Uncertain significance for Neurofibromatosis, type 1. Last evaluated: 2026-01-08. Review status: criteria provided, single submitter. Criteria: Invitae Variant Classification Sherloc (09022015). Collection method: clinical testing. Allele origin: germline.
Comment: This sequence change replaces isoleucine, which is neutral and non-polar, with leucine, which is neutral and non-polar, at codon 2270 of the NF1 protein (p.Ile2270Leu). This variant is not present in population databases (gnomAD no frequency). This variant has not been reported in the literature in individuals affected with NF1-related conditions. ClinVar contains an entry for this variant (Variation ID: 232364). Invitae Evidence Modeling of protein sequence and biophysical properties (such as structural, functional, and spatial information, amino acid conservation, physicochemical variation, residue mobility, and thermodynamic stability) indicates that this missense variant is not expected to disrupt NF1 protein function with a negative predictive value of 95%. In summary, the available evidence is currently insufficient to determine the role of this variant in disease. Therefore, it has been classified as a Variant of Uncertain Significance.

CeGaT Center for Human Genetics Tuebingen
Classification: Uncertain significance. Last evaluated: 2023-10-01. Review status: criteria provided, single submitter. Criteria: CeGaT Center For Human Genetics Tuebingen Variant Classification Criteria Version 2. Collection method: clinical testing. Allele origin: germline. Affected: yes. Observed: 1 variant allele.
Comment: NF1: PM2, PP2

Ambry Genetics
Classification: Uncertain significance for Hereditary cancer-predisposing syndrome. Last evaluated: 2015-06-15. Review status: criteria provided, single submitter. Criteria: Ambry Autosomal Dominant and X-Linked criteria (10/2015). Collection method: clinical testing. Allele origin: germline. Observed: 1 variant allele.
Comment: The p.I2291L variant (also known as c.6871A>C), located in coding exon 46 of the NF1 gene, results from an A to C substitution at nucleotide position 6871. The isoleucine at codon 2291 is replaced by leucine, an amino acid with highly similar properties. This variant was not reported in population based cohorts in the following databases: Database of Single Nucleotide Polymorphisms (dbSNP), NHLBI Exome Sequencing Project (ESP), and 1000 Genomes Project. In the ESP, this variant was not observed in 6498 samples (12996 alleles) with coverage at this position. To date, this alteration has been detected with an allele frequency of approximately 0.002% (greater than 55000alleles tested) in our clinical cohort.This amino acid position is highly conserved in available vertebrate species. In addition, the in silico prediction for this alteration is inconclusive.Since supporting evidence is limited at this time, the clinical significance of p.I2291Lremains unclear.

NM_001042492.3(NF1):c.6871A>C (p.Ile2291Leu)

Gene: NF1 (neurofibromin 1; plus strand). Cytogenetic location: 17q11.2.
Variant type: single nucleotide variant.
Coding change: c.6871A>C on transcript NM_001042492.3 (MANE Select); coding-DNA position 6871, A replaced by C.
Protein change: p.Ile2291Leu; replaces isoleucine 2291 with leucine.
Molecular consequence: missense variant.
Genome position (GRCh38, 1-based): chr17:31,338,755, A>C. VCF-style: chr17-31338755-A-C. GRCh37 (hg19) VCF-style: chr17-29665773-A-C.
Other names: c.6808A>C, p.Ile2270Leu (NM_000267.4); short protein forms I2270L, I2291L.
Identifiers: ClinVar variation 232364 (VCV000232364.32), dbSNP rs876659722, ClinGen allele CA10580393.